The following is an entry in ClinVar:

ClinVar aggregate classification (germline): Likely pathogenic. Review status: criteria provided, multiple submitters, no conflicts (2 of 4 stars). 3 submissions from 3 submitters: Likely pathogenic (3). Last evaluated 2025-11-07.

Conditions:
Familial thoracic aortic aneurysm and aortic dissection (TAAD). Also called: Thoracic aortic aneurysms and dissections. Identifiers: Orphanet 91387, MedGen C4707243, MONDO:0019625.
Loeys-Dietz syndrome (LDS). Identifiers: Orphanet 60030, MedGen C2697932, MONDO:0018954.

Submissions (3):

GeneDx
Classification: Likely pathogenic. Last evaluated: 2025-11-07. Review status: criteria provided, single submitter. Criteria: GeneDx Variant Classification Process June 2021. Collection method: clinical testing. Allele origin: germline.
Comment: Reported as an actionable finding in an individual without aortic or other clinical manifestations at the time of follow-up; however, clinical assessment was limited (PMID: 35943490); Canonical splice site variant predicted to result in a null allele in a gene for which loss of function is a known mechanism of disease; Not observed at significant frequency in large population cohorts (gnomAD); This variant is associated with the following publications: (PMID: 31447099, 35943490)

Centre of Medical Genetics, University of Antwerp
Classification: Likely pathogenic for Familial thoracic aortic aneurysm and aortic dissection. Last evaluated: 2024-09-06. Review status: criteria provided, single submitter. Criteria: ACMG Guidelines, 2015. Collection method: clinical testing. Allele origin: germline. Affected: yes.
Comment: LP(PVS1; PM2)

Laboratory for Molecular Medicine, Mass General Brigham Personalized Medicine
Classification: Likely pathogenic for Loeys-Dietz syndrome. Last evaluated: 2018-03-16. Review status: criteria provided, single submitter. Criteria: LMM Criteria. Collection method: clinical testing. Allele origin: germline. Observed: 2 variant alleles.
Comment: The c.206+1G>C variant in SMAD3 has not been previously reported in individuals with clinical features of Loeys-Dietz syndrome type 3 (LDS3) or in large populat ion studies. This variant occurs in the invariant region (+/- 1,2) of the SMAD3 exon 1 splice consensus sequence and is predicted to cause altered splicing lead ing to an abnormal or absent protein. Heterozygous loss of function of the SMAD3 gene has been reported in individuals with LDS3. Although, exon 1 is not includ ed in all SMAD3 transcripts, it is present in the predominant transcript and the re is some evidence to support a role for loss of function variants in exon 1 in individuals with clinical features of LDS3 (Fitzgerald 2014). In summary, altho ugh additional studies are required to fully establish its clinical significance , the c.206+1G>C variant is likely pathogenic. ACMG/AMP criteria applied: PVS1_s trong, PM2.

Literature cited by the submitters: PubMed 24711937 (cited by Laboratory for Molecular Medicine, Mass General Brigham Personalized Medicine).

NM_005902.4(SMAD3):c.206+1G>C

Gene: SMAD3 (SMAD family member 3; plus strand). Cytogenetic location: 15q22.33.
Variant type: single nucleotide variant.
Coding change: c.206+1G>C on transcript NM_005902.4 (MANE Select); the canonical splice donor site of the intron after coding-DNA position 206, G replaced by C.
Molecular consequence: splice donor variant.
Genome position (GRCh38, 1-based): chr15:67,066,361, G>C. VCF-style: chr15-67066361-G-C. GRCh37 (hg19) VCF-style: chr15-67358699-G-C.
Other names: c.206+1G>C (NM_001407011.1, NM_001407013.1, NM_001407012.1).
Identifiers: ClinVar variation 667425 (VCV000667425.7), dbSNP rs770098673, ClinGen allele CA393203129.